The following is an entry in ClinVar:

ClinVar aggregate classification (germline): Uncertain significance (1 of 4 stars; one submission).

Allele frequency attached by ClinVar (database versions not stated): ExAC 0.00001; gnomAD exomes 0.00002.
gnomAD v4.1: 16 of 1,609,430 alleles (0.00099%); highest among the groups gnomAD compares: East Asian, 0.011%; no homozygotes.

Submission:

Labcorp Genetics (formerly Invitae), Labcorp
Classification: Uncertain significance. Last evaluated: 2020-03-11. Review status: criteria provided, single submitter. Criteria: Invitae Variant Classification Sherloc (09022015). Collection method: clinical testing. Allele origin: germline.
Comment: This variant has not been reported in the literature in individuals with PLK4-related conditions. Algorithms developed to predict the effect of missense changes on protein structure and function output the following: SIFT: "Tolerated"; PolyPhen-2: "Benign"; Align-GVGD: "Class C0". The serine amino acid residue is found in multiple mammalian species, suggesting that this missense change does not adversely affect protein function. These predictions have not been confirmed by published functional studies and their clinical significance is uncertain. Algorithms developed to predict the effect of sequence changes on RNA splicing suggest that this variant may disrupt the consensus splice site, but this prediction has not been confirmed by published transcriptional studies. In summary, the available evidence is currently insufficient to determine the role of this variant in disease. Therefore, it has been classified as a Variant of Uncertain Significance. This variant is present in population databases (rs765323092, ExAC 0.002%). This sequence change replaces glycine with serine at codon 775 of the PLK4 protein (p.Gly775Ser). The glycine residue is moderately conserved and there is a small physicochemical difference between glycine and serine.

NM_014264.5(PLK4):c.2323G>A (p.Gly775Ser)

Gene: PLK4 (polo like kinase 4; plus strand). Cytogenetic location: 4q28.1.
Variant type: single nucleotide variant.
Coding change: c.2323G>A on transcript NM_014264.5 (MANE Select); coding-DNA position 2323, G replaced by A.
Protein change: p.Gly775Ser; replaces glycine 775 with serine.
Molecular consequence: missense variant.
Genome position (GRCh38, 1-based): chr4:127,893,513, G>A. VCF-style: chr4-127893513-G-A. GRCh37 (hg19) VCF-style: chr4-128814668-G-A.
Other names: c.2227G>A, p.Gly743Ser (NM_001190799.2); c.2200G>A, p.Gly734Ser (NM_001190801.2); short protein forms G734S, G743S, G775S.
Identifiers: ClinVar variation 1046062 (VCV001046062.5), dbSNP rs765323092, ClinGen allele CA3077032.